The following is an entry in ClinVar:

NM_000079.4(CHRNA1):c.43+59G>T

Gene: CHRNA1 (cholinergic receptor nicotinic alpha 1 subunit; minus strand). Cytogenetic location: 2q31.1.
Variant type: single nucleotide variant.
Coding change: c.43+59G>T on transcript NM_000079.4 (MANE Select); 59 bases into the intron after coding-DNA position 43, G replaced by T.
Molecular consequence: intron variant.
Genome position (GRCh38, 1-based): chr2:174,764,293, C>A on the plus strand (G>T on the coding strand, the complement: CHRNA1 is on the minus strand). VCF-style: chr2-174764293-C-A. GRCh37 (hg19) VCF-style: chr2-175629021-C-A.
Other names: c.43+59G>T (NM_001039523.3).
Identifiers: ClinVar variation 680121 (VCV000680121.5), dbSNP rs7560774, ClinGen allele CA15159476.
Genomic context (GRCh38, chr2:174,764,293, plus strand): 5'-GGTTGGGGAGGCTCTGCCATTCTGTGGTCTCATCAAAGAAGCAAGACTTTGATTTGGGGG[C>A]CTCCAGCACTTTAGCCTCAAAGGAGAGCCCTCTCCCCACCCCTGACCCCAGCACTTACCT-3'

ClinVar aggregate classification (germline): Benign. Review status: criteria provided, multiple submitters, no conflicts (2 of 4 stars). 5 submissions from 3 submitters: Benign (5). Last evaluated 2021-07-22.

Conditions:
Lethal multiple pterygium syndrome (LMPS). Identifiers: Orphanet 33108, MedGen C1854678, MONDO:0009668, OMIM 253290.
Myasthenic syndrome, congenital, 1B, fast-channel. Also called: Fast-Channel Congenital Myasthenia Syndrome. Identifiers: Orphanet 590, MedGen C4225405, MONDO:0012156, OMIM 608930.
Myasthenic syndrome, congenital, 1A, slow-channel. Also called: CMS IIa; MYASTHENIC SYNDROME, CONGENITAL, TYPE IIa; Congenital myasthenic syndrome 1A. Identifiers: MedGen C2931107, MONDO:0011088, OMIM 601462.

Allele frequency attached by ClinVar (database versions not stated): 1000 Genomes Project 30x 0.28607; TOPMed 0.34868; 1000 Genomes Project 0.28075; ESP Exome Variant Server 0.36443.
gnomAD v4.1: 689,042 of 1,553,240 alleles (44%); highest among the groups gnomAD compares: Non-Finnish European, 48%; 161,283 homozygotes.

Submissions (5):

Genome-Nilou Lab
Classification: Benign for Lethal multiple pterygium syndrome. Last evaluated: 2021-07-22. Review status: criteria provided, single submitter. Criteria: ACMG Guidelines, 2015. Collection method: clinical testing. Allele origin: germline. Affected: no.

Genome-Nilou Lab
Classification: Benign for Myasthenic syndrome, congenital, 1A, slow-channel. Last evaluated: 2021-07-22. Review status: criteria provided, single submitter. Criteria: ACMG Guidelines, 2015. Collection method: clinical testing. Allele origin: germline. Affected: no.

Genome-Nilou Lab
Classification: Benign for Myasthenic syndrome, congenital, 1B, fast-channel. Last evaluated: 2021-07-22. Review status: criteria provided, single submitter. Criteria: ACMG Guidelines, 2015. Collection method: clinical testing. Allele origin: germline. Affected: no.

GeneDx
Classification: Benign. Last evaluated: 2018-06-16. Review status: criteria provided, single submitter. Criteria: GeneDx Variant Classification (06012015). Collection method: clinical testing. Allele origin: germline. Affected: yes.
Comment: This variant is considered likely benign or benign based on one or more of the following criteria: it is a conservative change, it occurs at a poorly conserved position in the protein, it is predicted to be benign by multiple in silico algorithms, and/or has population frequency not consistent with disease.

Breakthrough Genomics
Classification: Benign. Review status: criteria provided, single submitter. Criteria: ACMG Guidelines, 2015. Collection method: not provided. Allele origin: germline. Inheritance: Autosomal recessive inheritance. Affected: yes.